The following is an entry in ClinVar:

ClinVar aggregate classification (germline): Conflicting classifications of pathogenicity. Review status: criteria provided, conflicting classifications (1 of 4 stars). 4 submissions from 4 submitters: Uncertain significance (1); Benign (1); Likely benign (2). Last evaluated 2024-10-27.

Conditions:
Oligodontia-cancer predisposition syndrome. Also called: TOOTH AGENESIS-COLORECTAL CANCER SYNDROME. Identifiers: Orphanet 300576, MedGen C1837750, MONDO:0012075, OMIM 608615. Disease mechanism: loss of function.
Hereditary cancer-predisposing syndrome. Also called: Tumor predisposition; Hereditary neoplastic syndrome; Hereditary Cancer Syndrome; Neoplastic Syndromes, Hereditary. Identifiers: Orphanet 140162, MedGen C0027672, MeSH D009386, MONDO:0015356.

Allele frequency attached by ClinVar (database versions not stated): TOPMed 0.00001.

Submissions (4):

Labcorp Genetics (formerly Invitae), Labcorp
Classification: Likely benign for Oligodontia-cancer predisposition syndrome. Last evaluated: 2024-10-27. Review status: criteria provided, single submitter. Criteria: Invitae Variant Classification Sherloc (09022015). Collection method: clinical testing. Allele origin: germline.

Myriad Genetics, Inc.
Classification: Benign for Oligodontia-cancer predisposition syndrome. Last evaluated: 2024-07-09. Review status: criteria provided, single submitter. Criteria: Myriad Autosomal Dominant, Autosomal Recessive and X-Linked Classification Criteria (2023). Collection method: clinical testing. Allele origin: unknown.
Comment: This variant is considered benign. This variant is a silent/synonymous amino acid change and it is not expected to impact splicing.

Sema4
Classification: Uncertain significance for Hereditary cancer-predisposing syndrome. Last evaluated: 2021-06-18. Review status: criteria provided, single submitter. Criteria: Sema4 Curation Guidelines. Collection method: curation. Allele origin: germline.
Comment: The AXIN2 c.2091G>A (p.L697=) variant has not been reported in the literature to our knowledge. It was not observed in the large and broad cohorts of the Genome Aggregation Database (PMID: 32461654). This variant has been reported in ClinVar (Variation ID 1097704). In silico tools suggest that the affected nucleotide is conserved and does not affect splicing, though these predictions have not been confirmed by functional studies. The evidence is insufficient to meet ACMG/AMP criteria for classifying the variant as benign or pathogenic. Thus, the clinical significance of this variant is currently uncertain.

Ambry Genetics
Classification: Likely benign for Hereditary cancer-predisposing syndrome. Last evaluated: 2019-11-11. Review status: criteria provided, single submitter. Criteria: Ambry Variant Classification Scheme 2023. Collection method: clinical testing. Allele origin: germline.

NM_004655.4(AXIN2):c.2091G>A (p.Leu697=)

Gene: AXIN2 (axin 2; minus strand). Cytogenetic location: 17q24.1.
Variant type: single nucleotide variant.
Coding change: c.2091G>A on transcript NM_004655.4 (MANE Select); coding-DNA position 2091, G replaced by A.
Protein change: p.Leu697=; no amino-acid change (leucine 697 retained).
Molecular consequence: synonymous variant.
Genome position (GRCh38, 1-based): chr17:65,536,370, C>T on the plus strand (G>A on the coding strand, the complement: AXIN2 is on the minus strand). VCF-style: chr17-65536370-C-T. GRCh37 (hg19) VCF-style: chr17-63532488-C-T.
Other names: c.1896G>A, p.Leu632= (NM_001363813.1).
Identifiers: ClinVar variation 1097704 (VCV001097704.13), dbSNP rs2043915103, ClinGen allele CA501690904.